The following is an entry in ClinVar:

ClinVar aggregate classification (germline): Uncertain significance. Review status: criteria provided, multiple submitters, no conflicts (2 of 4 stars). 3 submissions from 3 submitters: Uncertain significance (3). Last evaluated 2025-02-21.

Conditions:
Arthrogryposis multiplex congenita 3, myogenic type. Also called: ARTHROGRYPOSIS MULTIPLEX CONGENITA, MYOGENIC TYPE. Identifiers: MedGen C5193121, MONDO:0032778, OMIM 618484.

Allele frequency attached by ClinVar (database versions not stated): gnomAD exomes below 0.00001; TOPMed below 0.00001; ExAC 0.00001; gnomAD 0.00001; ESP Exome Variant Server 0.00008.
gnomAD v4.1: 1 of 1,614,066 alleles (0.000062%); highest among the groups gnomAD compares: African/African-American, 0.0013%; no homozygotes.

Submissions (3):

GeneDx
Classification: Uncertain significance. Last evaluated: 2025-02-21. Review status: criteria provided, single submitter. Criteria: GeneDx Variant Classification Process June 2021. Collection method: clinical testing. Allele origin: germline. Affected: yes.
Comment: Not observed at significant frequency in large population cohorts (gnomAD); In silico analysis supports that this missense variant has a deleterious effect on protein structure/function; Has not been previously published as pathogenic or benign to our knowledge; In silico analysis is inconclusive as to whether the variant alters gene splicing. In the absence of RNA/functional studies, the actual effect of this sequence change is unknown.

Revvity Omics, Revvity
Classification: Uncertain significance. Last evaluated: 2021-05-20. Review status: criteria provided, single submitter. Criteria: ACMG Guidelines, 2015. Collection method: clinical testing. Allele origin: germline.

HudsonAlpha Institute for Biotechnology
Classification: Uncertain significance for Arthrogryposis multiplex congenita 3, myogenic type. Last evaluated: 2021-03-29. Review status: criteria provided, single submitter. Criteria: ACMG Guidelines, 2015. Collection method: research. Allele origin: inherited. Observed: 1 homozygote. Study: CSER-SouthSeq.
Comment: ACMG codes:PM2; PP3

NM_182961.4(SYNE1):c.26152A>G (p.Arg8718Gly)

Gene: SYNE1 (spectrin repeat containing nuclear envelope protein 1; minus strand). Cytogenetic location: 6q25.2.
Variant type: single nucleotide variant.
Coding change: c.26152A>G on transcript NM_182961.4 (MANE Select); coding-DNA position 26152, A replaced by G.
Protein change: p.Arg8718Gly; replaces arginine 8718 with glycine.
Molecular consequence: missense variant. On other transcripts: intron variant (1).
Genome position (GRCh38, 1-based): chr6:152,130,721, T>C on the plus strand (A>G on the coding strand, the complement: SYNE1 is on the minus strand). VCF-style: chr6-152130721-T-C. GRCh37 (hg19) VCF-style: chr6-152451856-T-C.
Other names: c.26008A>G (NM_033071.3); c.2686A>G, p.Arg896Gly (NM_001347702.2); c.26008A>G, p.Arg8670Gly (NM_033071.5); c.2700+1401A>G (NM_001347701.2); short protein forms R8670G, R8718G, R896G.
Identifiers: ClinVar variation 1172548 (VCV001172548.5), dbSNP rs151281204, ClinGen allele CA4052647.